The following is an entry in ClinVar:

ClinVar aggregate classification (germline): Uncertain significance (1 of 4 stars; one submission).

Allele frequency attached by ClinVar (database versions not stated): gnomAD exomes below 0.00001; TOPMed below 0.00001; gnomAD 0.00001.
gnomAD v4.1: 5 of 1,613,488 alleles (0.00031%); highest among the groups gnomAD compares: South Asian, 0.0011%; no homozygotes.

Submission:

CeGaT Center for Human Genetics Tuebingen
Classification: Uncertain significance. Last evaluated: 2023-09-01. Review status: criteria provided, single submitter. Criteria: CeGaT Center For Human Genetics Tuebingen Variant Classification Criteria Version 2. Collection method: clinical testing. Allele origin: germline. Affected: yes. Observed: 1 variant allele.
Comment: MPDZ: PM2, BP4

NM_001378778.1(MPDZ):c.3169A>G (p.Ile1057Val)

Gene: MPDZ (multiple PDZ domain crumbs cell polarity complex component; minus strand). Cytogenetic location: 9p23.
Variant type: single nucleotide variant.
Coding change: c.3169A>G on transcript NM_001378778.1 (MANE Select); coding-DNA position 3169, A replaced by G.
Protein change: p.Ile1057Val; replaces isoleucine 1057 with valine.
Molecular consequence: missense variant.
Genome position (GRCh38, 1-based): chr9:13,168,451, T>C on the plus strand (A>G on the coding strand, the complement: MPDZ is on the minus strand). VCF-style: chr9-13168451-T-C. GRCh37 (hg19) VCF-style: chr9-13168450-T-C.
Other names: c.3169A>G, p.Ile1057Val (NM_001261406.2, NM_001261407.2, NM_001330637.2 and 14 more transcripts); short protein forms I1057V.
Identifiers: ClinVar variation 2659073 (VCV002659073.24), dbSNP rs1397718577, ClinGen allele CA372933592.